The following is an entry in ClinVar:

NM_033100.4(CDHR1):c.*3061G>A

Gene: CDHR1 (cadherin related family member 1; plus strand). Cytogenetic location: 10q23.1.
Variant type: single nucleotide variant.
Coding change: c.*3061G>A on transcript NM_033100.4 (MANE Select); 3061 bases downstream of the stop codon, G replaced by A.
Molecular consequence: 3 prime UTR variant. On other transcripts: intron variant (1).
Genome position (GRCh38, 1-based): chr10:84,217,682, G>A. VCF-style: chr10-84217682-G-A. GRCh37 (hg19) VCF-style: chr10-85977438-G-A.
Other names: c.2041-1397G>A (NM_001171971.3).
Identifiers: ClinVar variation 877168 (VCV000877168.4), dbSNP rs115392528, ClinGen allele CA210388772.

ClinVar aggregate classification (germline): Likely benign (1 of 4 stars; one submission).

Conditions:
Cone-rod dystrophy 15 (CORD15). Identifiers: MedGen C3150912, MONDO:0013348, OMIM 613660.

Allele frequency attached by ClinVar (database versions not stated): gnomAD exomes 0.00066; gnomAD 0.00682 and 0.00740; 1000 Genomes Project 0.00759; 1000 Genomes Project 30x 0.00781; TOPMed 0.00800.

Submission:

Illumina Laboratory Services, Illumina
Classification: Likely benign for Cone-rod dystrophy 15. Last evaluated: 2018-01-12. Review status: criteria provided, single submitter. Criteria: ICSL Variant Classification Criteria 13 December 2019. Collection method: clinical testing. Allele origin: germline.
Comment: This variant was observed in the ICSL laboratory as part of a predisposition screen in an ostensibly healthy population. It had not been previously curated by ICSL or reported in the Human Gene Mutation Database (HGMD: prior to June 1st, 2018), and was therefore a candidate for classification through an automated scoring system. Utilizing variant allele frequency, disease prevalence and penetrance estimates, and inheritance mode, an automated score was calculated to assess if this variant is too frequent to cause the disease. Based on the score and internal cut-off values, a variant classified as likely benign is not then subjected to further curation. The score for this variant resulted in a classification of likely benign for this disease.